The following is an entry in ClinVar:

NM_002439.5(MSH3):c.938C>T (p.Ala313Val)

Genes: MSH3 (mutS homolog 3; plus strand), LOC126807437 (MED14-independent group 3 enhancer GRCh37_chr5:79968379-79969578; plus strand). Cytogenetic location: 5q14.1.
Variant type: single nucleotide variant.
Coding change: c.938C>T on transcript NM_002439.5 (MANE Select); coding-DNA position 938, C replaced by T.
Protein change: p.Ala313Val; replaces alanine 313 with valine.
Molecular consequence: missense variant.
Genome position (GRCh38, 1-based): chr5:80,672,769, C>T. VCF-style: chr5-80672769-C-T. GRCh37 (hg19) VCF-style: chr5-79968588-C-T.
Other names: short protein forms A313V.
Identifiers: ClinVar variation 2694638 (VCV002694638.3), dbSNP rs1749751972, ClinGen allele CA360267377.

ClinVar aggregate classification (germline): Uncertain significance (1 of 4 stars; one submission).

Submission:

Labcorp Genetics (formerly Invitae), Labcorp
Classification: Uncertain significance. Last evaluated: 2023-11-10. Review status: criteria provided, single submitter. Criteria: Invitae Variant Classification Sherloc (09022015). Collection method: clinical testing. Allele origin: germline.
Comment: This sequence change replaces alanine, which is neutral and non-polar, with valine, which is neutral and non-polar, at codon 313 of the MSH3 protein (p.Ala313Val). This variant is not present in population databases (gnomAD no frequency). This variant has not been reported in the literature in individuals affected with MSH3-related conditions. An algorithm developed to predict the effect of missense changes on protein structure and function (PolyPhen-2) suggests that this variant is likely to be disruptive. In summary, the available evidence is currently insufficient to determine the role of this variant in disease. Therefore, it has been classified as a Variant of Uncertain Significance.